The following is an entry in ClinVar:

ClinVar aggregate classification (germline): Uncertain significance (1 of 4 stars; one submission).

Submission:

Labcorp Genetics (formerly Invitae), Labcorp
Classification: Uncertain significance. Last evaluated: 2023-12-27. Review status: criteria provided, single submitter. Criteria: Invitae Variant Classification Sherloc (09022015). Collection method: clinical testing. Allele origin: unknown.
Comment: This variant results in a copy number gain of the genomic region encompassing exon(s) 35-37 of the COL11A2 gene. While the exact position of this variant cannot be determined from the data, sub-genic copy number gains are generally in tandem (PMID: 25640679). This variant is predicted to be in-frame, and likely preserves the integrity of the reading frame. This variant has not been reported in the literature in individuals affected with COL11A2-related conditions. Experimental studies and prediction algorithms are not available or were not evaluated, and the functional significance of this variant is currently unknown. In summary, the available evidence is currently insufficient to determine the role of this variant in disease. Therefore, it has been classified as a Variant of Uncertain Significance.

Literature cited by the submitters: PubMed 25640679.

NC_000006.11:g.(?_33141105)_(33141542_?)dup

Gene: COL11A2 (collagen type XI alpha 2 chain; minus strand). Cytogenetic location: 6p21.32.
Variant type: Duplication.
Identifiers: ClinVar variation 3246245 (VCV003246245.1).